The following is an entry in ClinVar:

ClinVar aggregate classification (germline): Likely benign. Review status: criteria provided, multiple submitters, no conflicts (2 of 4 stars). 3 submissions from 3 submitters: Likely benign (3). Last evaluated 2026-03-01.

Allele frequency attached by ClinVar (database versions not stated): 1000 Genomes Project 30x 0.00016; 1000 Genomes Project 0.00020; ESP Exome Variant Server 0.00023; ExAC 0.00024; gnomAD 0.00027; gnomAD exomes 0.00027.

Submissions (3):

CeGaT Center for Human Genetics Tuebingen
Classification: Likely benign. Last evaluated: 2026-03-01. Review status: criteria provided, single submitter. Criteria: CeGaT Center For Human Genetics Tuebingen Variant Classification Criteria Version 2. Collection method: clinical testing. Allele origin: germline. Affected: yes. Observed: 14 variant alleles.
Comment: KMT2C: BP4, BP7

Labcorp Genetics (formerly Invitae), Labcorp
Classification: Likely benign. Last evaluated: 2023-07-14. Review status: criteria provided, single submitter. Criteria: Invitae Variant Classification Sherloc (09022015). Collection method: clinical testing. Allele origin: germline.

Breakthrough Genomics
Classification: Likely benign. Review status: criteria provided, single submitter. Criteria: ACMG Guidelines, 2015. Collection method: not provided. Allele origin: germline. Inheritance: Autosomal dominant inheritance. Affected: yes.

NM_170606.3(KMT2C):c.2289A>T (p.Ser763=)

Gene: KMT2C (lysine methyltransferase 2C; minus strand). Cytogenetic location: 7q36.1.
Variant type: single nucleotide variant.
Coding change: c.2289A>T on transcript NM_170606.3 (MANE Select); coding-DNA position 2289, A replaced by T.
Protein change: p.Ser763=; no amino-acid change (serine 763 retained).
Molecular consequence: synonymous variant.
Genome position (GRCh38, 1-based): chr7:152,248,145, T>A on the plus strand (A>T on the coding strand, the complement: KMT2C is on the minus strand). VCF-style: chr7-152248145-T-A. GRCh37 (hg19) VCF-style: chr7-151945230-T-A.
Identifiers: ClinVar variation 1535151 (VCV001535151.32), dbSNP rs374012675, ClinGen allele CA4581268.
Genomic context (GRCh38, chr7:152,248,145, plus strand): 5'-GGAAGACACATCTGCCTTGCTTATGTCTGCTGATGATGAAAATGATGACTCTGTCTCAGA[T>A]GATAACTTTATAGATTTGCCTCCTTGGTATGAAACATCTTTCACACAACCCTCAATTGTA-3'
Protein context (NP_733751.2, residues 753-773): SYQGGKSIKL[Ser763=]SETESSFSSS